The following is an entry in ClinVar:

ClinVar aggregate classification (germline): Uncertain significance (1 of 4 stars; one submission).

Allele frequency attached by ClinVar (database versions not stated): gnomAD exomes 0.00001; gnomAD 0.00005; TOPMed 0.00009.

Submission:

Labcorp Genetics (formerly Invitae), Labcorp
Classification: Uncertain significance. Last evaluated: 2022-12-02. Review status: criteria provided, single submitter. Criteria: Invitae Variant Classification Sherloc (09022015). Collection method: clinical testing. Allele origin: germline.
Comment: Algorithms developed to predict the effect of missense changes on protein structure and function are either unavailable or do not agree on the potential impact of this missense change (SIFT: "Not Available"; PolyPhen-2: "Benign"; Align-GVGD: "Not Available"). In summary, the available evidence is currently insufficient to determine the role of this variant in disease. Therefore, it has been classified as a Variant of Uncertain Significance. This sequence change replaces methionine, which is neutral and non-polar, with threonine, which is neutral and polar, at codon 1864 of the MYO18B protein (p.Met1864Thr). This variant is present in population databases (rs764026849, gnomAD 0.02%). This variant has not been reported in the literature in individuals affected with MYO18B-related conditions.

NM_032608.7(MYO18B):c.5591T>C (p.Met1864Thr)

Gene: MYO18B (myosin XVIIIB; plus strand). Cytogenetic location: 22q12.1.
Variant type: single nucleotide variant.
Coding change: c.5591T>C on transcript NM_032608.7 (MANE Select); coding-DNA position 5591, T replaced by C.
Protein change: p.Met1864Thr; replaces methionine 1864 with threonine.
Molecular consequence: missense variant.
Genome position (GRCh38, 1-based): chr22:25,946,210, T>C. VCF-style: chr22-25946210-T-C. GRCh37 (hg19) VCF-style: chr22-26342176-T-C.
Other names: c.5594T>C, p.Met1865Thr (NM_001318245.2); short protein forms M1865T, M1864T.
Identifiers: ClinVar variation 3018708 (VCV003018708.3), dbSNP rs764026849, ClinGen allele CA10161208.